The following is an entry in ClinVar:

ClinVar aggregate classification (germline): Conflicting classifications of pathogenicity. Review status: criteria provided, conflicting classifications (1 of 4 stars). 3 submissions from 3 submitters: Uncertain significance (1); Likely benign (2). Last evaluated 2026-01-31.

Conditions:
Multiple endocrine neoplasia, type 2 (MEN2). Identifiers: Orphanet 653, MedGen C4048306, MONDO:0019003. Disease mechanism: gain of function.
Hereditary cancer-predisposing syndrome. Also called: Neoplastic Syndromes, Hereditary; Hereditary Cancer Syndrome; Tumor predisposition; Hereditary neoplastic syndrome. Identifiers: Orphanet 140162, MedGen C0027672, MeSH D009386, MONDO:0015356.

gnomAD v4.1: 8 of 1,613,608 alleles (0.0005%); highest among the groups gnomAD compares: Non-Finnish European, 0.00051%; no homozygotes.

Submissions (3):

Labcorp Genetics (formerly Invitae), Labcorp
Classification: Likely benign for Multiple endocrine neoplasia, type 2. Last evaluated: 2026-01-31. Review status: criteria provided, single submitter. Criteria: Invitae Variant Classification Sherloc (09022015). Collection method: clinical testing. Allele origin: germline.

All of Us Research Program, National Institutes of Health
Classification: Uncertain significance for Multiple endocrine neoplasia, type 2. Last evaluated: 2023-06-08. Review status: criteria provided, single submitter. Criteria: ACMG Guidelines, 2015. Collection method: clinical testing. Allele origin: germline. Inheritance: Autosomal dominant inheritance. Observed: 2 variant alleles, 2 heterozygotes.
Comment: This variant is located in the RET protein. To our knowledge, functional studies have not been reported for this variant. This variant has not been reported in individuals affected with RET-related disorders in the literature. This variant has been identified in 2/251394 chromosomes in the general population by the Genome Aggregation Database (gnomAD). The available evidence is insufficient to determine the role of this variant in disease conclusively. Therefore, this variant is classified as a Variant of Uncertain Significance.

This study involves interpretation of variants in research participants for the purpose of population health screening. Participant phenotype was not available at the time of variant classification. Additional details can be found in publication PMID: 35346344, PMCID: PMC8962531

Ambry Genetics
Classification: Likely benign for Hereditary cancer-predisposing syndrome. Last evaluated: 2020-09-30. Review status: criteria provided, single submitter. Criteria: Ambry Variant Classification Scheme 2023. Collection method: clinical testing. Allele origin: germline.

NM_020975.6(RET):c.2262G>C (p.Thr754=)

Gene: RET (ret proto-oncogene; plus strand). Cytogenetic location: 10q11.21.
Variant type: single nucleotide variant.
Coding change: c.2262G>C on transcript NM_020975.6 (MANE Select); coding-DNA position 2262, G replaced by C.
Protein change: p.Thr754=; no amino-acid change (threonine 754 retained).
Molecular consequence: synonymous variant.
Genome position (GRCh38, 1-based): chr10:43,116,709, G>C. VCF-style: chr10-43116709-G-C. GRCh37 (hg19) VCF-style: chr10-43612157-G-C.
Other names: c.2262G>C, p.Thr754= (NM_000323.2, NM_001406743.1, NM_001406744.1 and 4 more transcripts); c.1500G>C, p.Thr500= (NM_001355216.2); c.2133G>C, p.Thr711= (NM_001406761.1, NM_001406762.1, NM_001406764.1); c.2127G>C, p.Thr709= (NM_001406763.1, NM_001406765.1); c.1974G>C, p.Thr658= (NM_001406766.1, NM_001406767.1, NM_001406770.1); c.1998G>C, p.Thr666= (NM_001406768.1); c.1866G>C, p.Thr622= (NM_001406769.1, NM_001406772.1); c.1824G>C, p.Thr608= (NM_001406771.1, NM_001406773.1); and 10 more.
Identifiers: ClinVar variation 771105 (VCV000771105.13), dbSNP rs779080598, ClinGen allele CA469028060.
Genomic context (GRCh38, chr10:43,116,709, plus strand): 5'-ATTTGGAAAAGTGGTCAAGGCAACGGCCTTCCATCTGAAAGGCAGAGCAGGGTACACCAC[G>C]GTGGCCGTGAAGATGCTGAAAGGTACCTGCCAGGCACAGGCACAGTGCCCCTGGGGGAGT-3'
Protein context (NP_066124.1, residues 744-764): FHLKGRAGYT[Thr754=]VAVKMLKENA